The following is an entry in ClinVar:

NM_014055.4(IFT81):c.1251A>C (p.Ile417=)

Gene: IFT81 (intraflagellar transport 81; plus strand). Cytogenetic location: 12q24.11.
Variant type: single nucleotide variant.
Coding change: c.1251A>C on transcript NM_014055.4 (MANE Select); coding-DNA position 1251, A replaced by C.
Protein change: p.Ile417=; no amino-acid change (isoleucine 417 retained).
Molecular consequence: synonymous variant. On other transcripts: non-coding transcript variant (4).
Genome position (GRCh38, 1-based): chr12:110,180,484, A>C. VCF-style: chr12-110180484-A-C. GRCh37 (hg19) VCF-style: chr12-110618289-A-C.
Other names: c.1251A>C (NM_014055.3); c.1251A>C, p.Ile417= (NM_001143779.2); c.321A>C, p.Ile107= (NM_001347947.2, NM_001347948.2).
Identifiers: ClinVar variation 1164612 (VCV001164612.11), dbSNP rs150521700, ClinGen allele CA6783318.

ClinVar aggregate classification (germline): Benign/Likely benign. Review status: criteria provided, multiple submitters, no conflicts (2 of 4 stars). 3 submissions from 3 submitters: Benign (1); Likely benign (2). Last evaluated 2025-12-30.

Conditions:
IFT81-related disorder. Also called: IFT81-related condition.

Allele frequency attached by ClinVar (database versions not stated): gnomAD exomes 0.00022; ExAC 0.00028; 1000 Genomes Project 0.00060; 1000 Genomes Project 30x 0.00062; gnomAD 0.00090 and 0.00103; ESP Exome Variant Server 0.00102.
gnomAD v4.1: 296 of 1,611,552 alleles (0.018%); highest among the groups gnomAD compares: African/African-American, 0.29%; 1 homozygote.

Submissions (3):

PreventionGenetics, part of Exact Sciences
Classification: Likely benign for IFT81-related condition. Last evaluated: 2025-12-30. Review status: criteria provided, single submitter. Criteria: ACMG Guidelines, 2015. Collection method: clinical testing. Allele origin: germline.
Comment: This variant is classified as likely benign based on ACMG/AMP sequence variant interpretation guidelines (Richards et al. 2015 PMID: 25741868, with internal and published modifications).

Labcorp Genetics (formerly Invitae), Labcorp
Classification: Benign. Last evaluated: 2025-12-21. Review status: criteria provided, single submitter. Criteria: Invitae Variant Classification Sherloc (09022015). Collection method: clinical testing. Allele origin: germline.

Blueprint Genetics
Classification: Likely benign. Last evaluated: 2024-06-11. Review status: criteria provided, single submitter. Criteria: ACMG Guidelines, 2015. Collection method: clinical testing. Allele origin: germline.